The following is an entry in ClinVar:

NM_005559.4(LAMA1):c.1921G>T (p.Val641Leu)

Gene: LAMA1 (laminin subunit alpha 1; minus strand). Cytogenetic location: 18p11.31.
Variant type: single nucleotide variant.
Coding change: c.1921G>T on transcript NM_005559.4 (MANE Select); coding-DNA position 1921, G replaced by T.
Protein change: p.Val641Leu; replaces valine 641 with leucine.
Molecular consequence: missense variant.
Genome position (GRCh38, 1-based): chr18:7,034,609, C>A on the plus strand (G>T on the coding strand, the complement: LAMA1 is on the minus strand). VCF-style: chr18-7034609-C-A. GRCh37 (hg19) VCF-style: chr18-7034608-C-A.
Other names: short protein forms V641L.
Identifiers: ClinVar variation 2197226 (VCV002197226.4), dbSNP rs766665086, ClinGen allele CA8882826.
Genomic context (GRCh38, chr18:7,034,609, plus strand): 5'-TCATCAGCTGGTCACGATCAATCTGCCTTTTGCTGTGAAAATCTTGGAAGTTTTCAGGCA[C>A]AAGTCTAACCACGTTTAGGTACTCTTCATAAGGCTGCAATGACAGACCCTCAGCCTGTGT-3'
Protein context (NP_005550.2, residues 631-651): YEEYLNVVRL[Val641Leu]PENFQDFHSK

ClinVar aggregate classification (germline): Uncertain significance (1 of 4 stars; one submission).

Allele frequency attached by ClinVar (database versions not stated): ExAC 0.00002; gnomAD 0.00002; TOPMed 0.00003; gnomAD exomes 0.00007.
gnomAD v4.1: 107 of 1,614,068 alleles (0.0066%); highest among the groups gnomAD compares: Non-Finnish European, 0.0089%; no homozygotes.

Submission:

Labcorp Genetics (formerly Invitae), Labcorp
Classification: Uncertain significance. Last evaluated: 2022-05-21. Review status: criteria provided, single submitter. Criteria: Invitae Variant Classification Sherloc (09022015). Collection method: clinical testing. Allele origin: germline.
Comment: This sequence change replaces valine, which is neutral and non-polar, with leucine, which is neutral and non-polar, at codon 641 of the LAMA1 protein (p.Val641Leu). This variant is present in population databases (rs766665086, gnomAD 0.005%). This variant has not been reported in the literature in individuals affected with LAMA1-related conditions. Algorithms developed to predict the effect of missense changes on protein structure and function output the following: SIFT: "Tolerated"; PolyPhen-2: "Benign"; Align-GVGD: "Class C0". The leucine amino acid residue is found in multiple mammalian species, which suggests that this missense change does not adversely affect protein function. In summary, the available evidence is currently insufficient to determine the role of this variant in disease. Therefore, it has been classified as a Variant of Uncertain Significance.